The following is an entry in ClinVar:

NM_020708.5(SLC12A5):c.304G>A (p.Gly102Ser)

Gene: SLC12A5 (solute carrier family 12 member 5; plus strand). Cytogenetic location: 20q13.12.
Variant type: single nucleotide variant.
Coding change: c.304G>A on transcript NM_020708.5 (MANE Select); coding-DNA position 304, G replaced by A.
Protein change: p.Gly102Ser; replaces glycine 102 with serine.
Molecular consequence: missense variant.
Genome position (GRCh38, 1-based): chr20:46,035,801, G>A. VCF-style: chr20-46035801-G-A. GRCh37 (hg19) VCF-style: chr20-44664440-G-A.
Other names: c.373G>A, p.Gly125Ser (NM_001134771.2); short protein forms G102S, G125S.
Identifiers: ClinVar variation 1428710 (VCV001428710.8), dbSNP rs2145482789, ClinGen allele CA409187524.

ClinVar aggregate classification (germline): Uncertain significance (1 of 4 stars; one submission).

Conditions:
Developmental and epileptic encephalopathy, 34 (DEE34). Also called: SLC12A5-Related Epilepsy of Infancy with Migrating Focal Seizures; Early infantile epileptic encephalopathy 34. Identifiers: Orphanet 293181, MedGen C4225257, MONDO:0014718, OMIM 616645.

Submission:

Labcorp Genetics (formerly Invitae), Labcorp
Classification: Uncertain significance for Developmental and epileptic encephalopathy, 34. Last evaluated: 2022-10-17. Review status: criteria provided, single submitter. Criteria: Invitae Variant Classification Sherloc (09022015). Collection method: clinical testing. Allele origin: germline.
Comment: This sequence change replaces glycine, which is neutral and non-polar, with serine, which is neutral and polar, at codon 102 of the SLC12A5 protein (p.Gly102Ser). This variant is not present in population databases (gnomAD no frequency). This variant has not been reported in the literature in individuals affected with SLC12A5-related conditions. ClinVar contains an entry for this variant (Variation ID: 1428710). Advanced modeling of protein sequence and biophysical properties (such as structural, functional, and spatial information, amino acid conservation, physicochemical variation, residue mobility, and thermodynamic stability) performed at Invitae indicates that this missense variant is expected to disrupt SLC12A5 protein function. In summary, the available evidence is currently insufficient to determine the role of this variant in disease. Therefore, it has been classified as a Variant of Uncertain Significance.